The following is an entry in ClinVar:

ClinVar aggregate classification (germline): Conflicting classifications of pathogenicity. Review status: criteria provided, conflicting classifications (1 of 4 stars). 4 submissions from 4 submitters: Uncertain significance (3); Likely benign (1). Last evaluated 2025-11-03.

Conditions:
COL7A1-related disorder. Also called: COL7A1-related condition; COL7A1- related disorders.
Epidermolysis bullosa dystrophica. Also called: Dystrophic epidermolysis bullosa, Hallopeau-Siemens type (formerly); Dystrophic epidermolysis bullosa. Identifiers: Orphanet 303, MedGen C0079294, MONDO:0006543.
Generalized dominant dystrophic epidermolysis bullosa (DDEB). Also called: DDEB, generalized; DDEB-gen; DYSTROPHIC EPIDERMOLYSIS BULLOSA, AUTOSOMAL DOMINANT; Epidermolysis bullosa dystrophica, autosomal dominant; Dominant DEB (DDEB). Identifiers: Orphanet 231568, MedGen C0432322, MONDO:0007549, OMIM 131750.
Dominant dystrophic epidermolysis bullosa with absence of skin. Also called: EPIDERMOLYSIS BULLOSA WITH CONGENITAL LOCALIZED ABSENCE OF SKIN AND DEFORMITY OF NAILS; EPIDERMOLYSIS BULLOSA DYSTROPHICA, BART TYPE. Identifiers: MedGen C0268371, MONDO:0007557, OMIM 132000.
Pretibial dystrophic epidermolysis bullosa. Also called: EPIDERMOLYSIS BULLOSA DYSTROPHICA, PRETIBIAL; Pretibial epidermolysis bullosa; Pretibial blistering. Identifiers: Orphanet 79410, MedGen C0432321, MONDO:0007552, OMIM 131850, HP:0012221.
Nonsyndromic congenital nail disorder 8. Also called: TOENAIL DYSTROPHY, ISOLATED. Identifiers: MedGen C1843761, MONDO:0011852, OMIM 607523.
Transient bullous dermolysis of the newborn (TBDN). Also called: EPIDERMOLYSIS BULLOSA DYSTROPHICA, NEONATAL FORM; DYSTROPHIC EPIDERMOLYSIS BULLOSA, NEONATAL. Identifiers: Orphanet 79411, MedGen C1851573, MONDO:0007548, OMIM 131705.
Epidermolysis bullosa pruriginosa. Also called: DEB, PRURIGINOSA; DYSTROPHIC EPIDERMOLYSIS BULLOSA PRURIGINOSA. Identifiers: Orphanet 89843, MedGen C1275114, MONDO:0011398, OMIM 604129.
Recessive dystrophic epidermolysis bullosa (RDEB). Also called: severe generalized recessive dystrophic epidermolysis bullosa; Epidermolysis Bullosa Distrophica Autosomal Recessive (RDEB); epidermolysis bullosa dystrophica, autosomal recessive; EPIDERMOLYSIS BULLOSA DYSTROPHICA, GENERALIZED SEVERE, AUTOSOMAL RECESSIVE; Hallopeau-Siemens Disease; Recessive DEB (RDEB). Identifiers: Orphanet 79408, Orphanet 79409, MedGen C0079474, MONDO:0009179, OMIM 226600.

Allele frequency attached by ClinVar (database versions not stated): TOPMed 0.00006; gnomAD exomes 0.00007; ESP Exome Variant Server 0.00008; ExAC 0.00009.
gnomAD v4.1: 74 of 1,613,882 alleles (0.0046%); highest among the groups gnomAD compares: Middle Eastern, 0.016%; no homozygotes.

Submissions (4):

Labcorp Genetics (formerly Invitae), Labcorp
Classification: Likely benign. Last evaluated: 2025-11-03. Review status: criteria provided, single submitter. Criteria: Invitae Variant Classification Sherloc (09022015). Collection method: clinical testing. Allele origin: germline.

PreventionGenetics, part of Exact Sciences
Classification: Uncertain significance for COL7A1-related condition. Last evaluated: 2025-10-13. Review status: criteria provided, single submitter. Criteria: ACMG Guidelines, 2015. Collection method: clinical testing. Allele origin: germline.
Comment: The COL7A1 c.4000C>T variant is predicted to result in the amino acid substitution p.Arg1334Cys. To our knowledge, this variant has not been reported in the literature. This variant is reported in 0.012% of alleles in individuals of European (Non-Finnish) descent in gnomAD. At this time, the clinical significance of this variant is uncertain due to the absence of conclusive functional and genetic evidence.

Fulgent Genetics
Classification: Uncertain significance for Transient bullous dermolysis of the newborn; Generalized dominant dystrophic epidermolysis bullosa; Pretibial dystrophic epidermolysis bullosa; Dominant dystrophic epidermolysis bullosa with absence of skin; Recessive dystrophic epidermolysis bullosa; Epidermolysis bullosa pruriginosa; Nonsyndromic congenital nail disorder 8. Last evaluated: 2021-07-07. Review status: criteria provided, single submitter. Criteria: ACMG Guidelines, 2015. Collection method: clinical testing. Allele origin: unknown.

Illumina Laboratory Services, Illumina
Classification: Uncertain significance for Dystrophic epidermolysis bullosa. Last evaluated: 2018-01-12. Review status: criteria provided, single submitter. Criteria: ICSL Variant Classification Criteria 13 December 2019. Collection method: clinical testing. Allele origin: germline.

NM_000094.4(COL7A1):c.4000C>T (p.Arg1334Cys)

Gene: COL7A1 (collagen type VII alpha 1 chain; minus strand). Cytogenetic location: 3p21.31.
Variant type: single nucleotide variant.
Coding change: c.4000C>T on transcript NM_000094.4 (MANE Select); coding-DNA position 4000, C replaced by T.
Protein change: p.Arg1334Cys; replaces arginine 1334 with cysteine.
Molecular consequence: missense variant.
Genome position (GRCh38, 1-based): chr3:48,584,921, G>A on the plus strand (C>T on the coding strand, the complement: COL7A1 is on the minus strand). VCF-style: chr3-48584921-G-A. GRCh37 (hg19) VCF-style: chr3-48622354-G-A.
Other names: short protein forms R1334C.
Identifiers: ClinVar variation 900873 (VCV000900873.12), dbSNP rs141720633, ClinGen allele CA2380293.